The following is an entry in ClinVar:

NM_000260.4(MYO7A):c.202G>A (p.Glu68Lys)

Gene: MYO7A (myosin VIIA; plus strand). Cytogenetic location: 11q13.5.
Variant type: single nucleotide variant.
Coding change: c.202G>A on transcript NM_000260.4 (MANE Select); coding-DNA position 202, G replaced by A.
Protein change: p.Glu68Lys; replaces glutamic acid 68 with lysine.
Molecular consequence: missense variant.
Genome position (GRCh38, 1-based): chr11:77,147,867, G>A. VCF-style: chr11-77147867-G-A. GRCh37 (hg19) VCF-style: chr11-76858913-G-A.
Other names: c.202G>A, p.Glu68Lys (NM_001127180.2); c.169G>A, p.Glu57Lys (NM_001369365.1); short protein forms E57K, E68K.
Identifiers: ClinVar variation 1304460 (VCV001304460.6), dbSNP rs1951689509, ClinGen allele CA381928952.

ClinVar aggregate classification (germline): Uncertain significance. Review status: criteria provided, multiple submitters, no conflicts (2 of 4 stars). 2 submissions from 2 submitters: Uncertain significance (2). Last evaluated 2023-08-04.

Allele frequency attached by ClinVar (database versions not stated): gnomAD exomes below 0.00001; gnomAD 0.00001.
gnomAD v4.1: 2 of 1,606,036 alleles (0.00012%); highest among the groups gnomAD compares: African/African-American, 0.0013%; no homozygotes.

Submissions (2):

Labcorp Genetics (formerly Invitae), Labcorp
Classification: Uncertain significance. Last evaluated: 2023-08-04. Review status: criteria provided, single submitter. Criteria: Invitae Variant Classification Sherloc (09022015). Collection method: clinical testing. Allele origin: germline.
Comment: In summary, the available evidence is currently insufficient to determine the role of this variant in disease. Therefore, it has been classified as a Variant of Uncertain Significance. Advanced modeling of protein sequence and biophysical properties (such as structural, functional, and spatial information, amino acid conservation, physicochemical variation, residue mobility, and thermodynamic stability) performed at Invitae indicates that this missense variant is not expected to disrupt MYO7A protein function. ClinVar contains an entry for this variant (Variation ID: 1304460). This variant has not been reported in the literature in individuals affected with MYO7A-related conditions. This variant is not present in population databases (gnomAD no frequency). This sequence change replaces glutamic acid, which is acidic and polar, with lysine, which is basic and polar, at codon 68 of the MYO7A protein (p.Glu68Lys).

GeneDx
Classification: Uncertain significance. Last evaluated: 2019-01-15. Review status: criteria provided, single submitter. Criteria: GeneDx Variant Classification Process June 2021. Collection method: clinical testing. Allele origin: germline. Affected: yes.
Comment: Not observed in large population cohorts (Lek et al., 2016); In silico analysis, which includes protein predictors and evolutionary conservation, supports a deleterious effect; Has not been previously published as pathogenic or benign to our knowledge